The following is an entry in ClinVar:

NM_015450.3(POT1):c.290C>T (p.Thr97Ile)

Gene: POT1 (protection of telomeres 1; minus strand). Cytogenetic location: 7q31.33.
Variant type: single nucleotide variant.
Coding change: c.290C>T on transcript NM_015450.3 (MANE Select); coding-DNA position 290, C replaced by T.
Protein change: p.Thr97Ile; replaces threonine 97 with isoleucine.
Molecular consequence: missense variant. On other transcripts: 5 prime UTR variant (1), non-coding transcript variant (3).
Genome position (GRCh38, 1-based): chr7:124,863,606, G>A on the plus strand (C>T on the coding strand, the complement: POT1 is on the minus strand). VCF-style: chr7-124863606-G-A. GRCh37 (hg19) VCF-style: chr7-124503660-G-A.
Other names: c.-104C>T (NM_001042594.2); c.290C>T (NM_015450.2); short protein forms T97I.
Identifiers: ClinVar variation 1017609 (VCV001017609.10), dbSNP rs1436205180, ClinGen allele CA369060367.

ClinVar aggregate classification (germline): Uncertain significance. Review status: criteria provided, multiple submitters, no conflicts (2 of 4 stars). 2 submissions from 2 submitters: Uncertain significance (2). Last evaluated 2024-10-15.

Conditions:
Hereditary cancer-predisposing syndrome. Also called: Neoplastic Syndromes, Hereditary; Hereditary Cancer Syndrome; Hereditary neoplastic syndrome; Tumor predisposition. Identifiers: Orphanet 140162, MedGen C0027672, MeSH D009386, MONDO:0015356.
Tumor predisposition syndrome 3 (TPDS3). Also called: Glioma susceptibility 9; LONG TELOMERE SYNDROME, POT1-RELATED; POT1 Tumor Predisposition; Melanoma, cutaneous malignant, susceptibility to, 10. Identifiers: Orphanet 618, MedGen C4014476, MONDO:0014368, OMIM 615848.

Allele frequency attached by ClinVar (database versions not stated): gnomAD exomes below 0.00001.
gnomAD v4.1: 1 of 1,613,510 alleles (0.000062%); highest among the groups gnomAD compares: Non-Finnish European, 0.000085%; no homozygotes.

Submissions (2):

Ambry Genetics
Classification: Uncertain significance for Hereditary cancer-predisposing syndrome. Last evaluated: 2024-10-15. Review status: criteria provided, single submitter. Criteria: Ambry Variant Classification Scheme 2023. Collection method: clinical testing. Allele origin: germline.
Comment: The p.T97I variant (also known as c.290C>T), located in coding exon 4 of the POT1 gene, results from a C to T substitution at nucleotide position 290. The threonine at codon 97 is replaced by isoleucine, an amino acid with similar properties. This amino acid position is not well conserved in available vertebrate species. In addition, this alteration is predicted to be tolerated by in silico analysis. Based on the available evidence, the clinical significance of this variant remains unclear.

Labcorp Genetics (formerly Invitae), Labcorp
Classification: Uncertain significance for Tumor predisposition syndrome 3. Last evaluated: 2023-04-06. Review status: criteria provided, single submitter. Criteria: Invitae Variant Classification Sherloc (09022015). Collection method: clinical testing. Allele origin: germline.
Comment: This sequence change replaces threonine, which is neutral and polar, with isoleucine, which is neutral and non-polar, at codon 97 of the POT1 protein (p.Thr97Ile). In summary, the available evidence is currently insufficient to determine the role of this variant in disease. Therefore, it has been classified as a Variant of Uncertain Significance. Advanced modeling of protein sequence and biophysical properties (such as structural, functional, and spatial information, amino acid conservation, physicochemical variation, residue mobility, and thermodynamic stability) performed at Invitae indicates that this missense variant is not expected to disrupt POT1 protein function. ClinVar contains an entry for this variant (Variation ID: 1017609). This variant has not been reported in the literature in individuals affected with POT1-related conditions. This variant is not present in population databases (gnomAD no frequency).